The following is an entry in ClinVar:

NM_001382391.1(CSPP1):c.3415A>G (p.Asn1139Asp)

Genes: ARFGEF1 (ARF guanine nucleotide exchange factor 1; minus strand), CSPP1 (centrosome and spindle pole associated protein 1; plus strand). Cytogenetic location: 8q13.2.
Variant type: single nucleotide variant.
Coding change: c.3415A>G on transcript NM_001382391.1 (MANE Select); coding-DNA position 3415, A replaced by G.
Protein change: p.Asn1139Asp; replaces asparagine 1139 with aspartic acid.
Molecular consequence: missense variant. On other transcripts: intron variant (3).
Genome position (GRCh38, 1-based): chr8:67,193,548, A>G. VCF-style: chr8-67193548-A-G. GRCh37 (hg19) VCF-style: chr8-68105783-A-G.
Other names: c.2365A>G, p.Asn789Asp (NM_001291339.2); c.3334A>G, p.Asn1112Asp (NM_001363131.2); c.3220A>G, p.Asn1074Asp (NM_001363132.2); c.3139A>G, p.Asn1047Asp (NM_001363133.2); c.3481A>G, p.Asn1161Asp (NM_001364869.1); c.3301A>G, p.Asn1101Asp (NM_001364870.1); c.3247A>G, p.Asn1083Asp (NM_001438330.1); c.2716A>G, p.Asn906Asp (NM_001438332.1); and 4 more; short protein forms N1074D, N1101D, N1134D, N1161D, N1047D, N1112D, N1139D, N789D.
Identifiers: ClinVar variation 1432525 (VCV001432525.6), dbSNP rs1837019445, ClinGen allele CA371203116.

ClinVar aggregate classification (germline): Uncertain significance (1 of 4 stars; one submission).

Conditions:
Joubert syndrome 21 (JBTS21). Identifiers: MedGen C3810212, MONDO:0014288, OMIM 615636.

Submission:

Labcorp Genetics (formerly Invitae), Labcorp
Classification: Uncertain significance for Joubert syndrome 21. Last evaluated: 2022-08-09. Review status: criteria provided, single submitter. Criteria: Invitae Variant Classification Sherloc (09022015). Collection method: clinical testing. Allele origin: germline.
Comment: ClinVar contains an entry for this variant (Variation ID: 1432525). In summary, the available evidence is currently insufficient to determine the role of this variant in disease. Therefore, it has been classified as a Variant of Uncertain Significance. Algorithms developed to predict the effect of missense changes on protein structure and function are either unavailable or do not agree on the potential impact of this missense change (SIFT: "Tolerated"; PolyPhen-2: "Probably Damaging"; Align-GVGD: "Class C0"). This variant has not been reported in the literature in individuals affected with CSPP1-related conditions. This variant is not present in population databases (gnomAD no frequency). This sequence change replaces asparagine, which is neutral and polar, with aspartic acid, which is acidic and polar, at codon 1134 of the CSPP1 protein (p.Asn1134Asp).